The following is an entry in ClinVar:

ClinVar aggregate classification (germline): Pathogenic. Review status: reviewed by expert panel (3 of 4 stars). 3 submissions from 3 submitters: Pathogenic (1). 2 of the submissions do not count toward it. Last evaluated 2024-06-13.

Conditions:
X-linked severe combined immunodeficiency (SCIDX1). Also called: IMMUNODEFICIENCY 4; X-Linked Combined Immunodeficiency Diseases; SCID, X-LINKED; SEVERE COMBINED IMMUNODEFICIENCY, X-LINKED, T CELL-NEGATIVE, B CELL-POSITIVE, NK CELL-NEGATIVE; T-B+ severe combined immunodeficiency due to gamma chain deficiency. Identifiers: Orphanet 276, MedGen C6022468, MONDO:0010315, OMIM 300400. Disease mechanism: loss of function.

Submissions (3):

ClinGen Severe Combined Immunodeficiency Variant Curation Expert Panel, ClinGen
Classification: Pathogenic for X-linked severe combined immunodeficiency. Last evaluated: 2024-06-13. Review status: reviewed by expert panel. Criteria: ClinGen SCID ACMG Specifications IL2RG V1.0.0. Collection method: curation. Allele origin: germline. Inheritance: X-linked inheritance.
Comment: The c.710G>A (p.Trp237Ter) (NM_000206.3) variant in IL2RG is a nonsense variant predicted to cause a premature stop codon in biologically relevant exon 5/8, leading to nonsense-mediated decay in a gene in which loss-of-function is an established disease mechanism (PVS1 Met). This variant is absent from gnomAD v4 (PM2_Supporting). At least one proband in the literature presents: Diagnostic criteria for SCID/Leaky SCID/Omenn syndrome met (0.5 pts) + XY male sex (0.5 pts), total is 1 point, PP4 is met (PMID: 28702026). In summary, this variant meets the criteria to be classified as Pathogenic for X-linked T-B+ severe combined immunodeficiency due to gamma chain deficiency based on the ACMG/AMP criteria applied, as specified by the ClinGen SCID VCEP (specification version 1.0): PM2_Supporting, PVS1, and PP4.

Labcorp Genetics (formerly Invitae), Labcorp
Classification: Pathogenic for X-linked severe combined immunodeficiency. Last evaluated: 2024-05-17. Review status: criteria provided, single submitter. Criteria: Invitae Variant Classification Sherloc (09022015). Collection method: clinical testing. Allele origin: germline. Not counted in ClinVar's aggregate classification.
Comment: This sequence change creates a premature translational stop signal (p.Trp237*) in the IL2RG gene. It is expected to result in an absent or disrupted protein product. Loss-of-function variants in IL2RG are known to be pathogenic (PMID: 9058718, 10794430). This variant is not present in population databases (gnomAD no frequency). This premature translational stop signal has been observed in individual(s) with severe combined immunodeficiency (PMID: 21184155). ClinVar contains an entry for this variant (Variation ID: 36388). For these reasons, this variant has been classified as Pathogenic.

Women's Health and Genetics/Laboratory Corporation of America, LabCorp
Classification: Likely pathogenic for X-linked Severe Combined Immunodeficiency. Last evaluated: 2011-08-18. Review status: criteria provided, single submitter. Criteria: LabCorp Variant Classification Summary - May 2015. Collection method: curation, clinical testing. Allele origin: germline. Inheritance: Xlinked unknown. Affected: yes. Not counted in ClinVar's aggregate classification.
ClinVar note: Converted during submission from likely pathogenic to Likely pathogenic.

Literature cited by the submitters: PubMed 9058718 (cited by Labcorp Genetics (formerly Invitae), Labcorp); PubMed 10794430 (cited by Labcorp Genetics (formerly Invitae), Labcorp); PubMed 21184155 (cited by Labcorp Genetics (formerly Invitae), Labcorp).

NM_000206.3(IL2RG):c.710G>A (p.Trp237Ter)

Gene: IL2RG (interleukin 2 receptor subunit gamma; minus strand). Cytogenetic location: Xq13.1.
Variant type: single nucleotide variant.
Coding change: c.710G>A on transcript NM_000206.3 (MANE Select); coding-DNA position 710, G replaced by A.
Protein change: p.Trp237Ter; replaces tryptophan 237 with a stop codon.
Molecular consequence: nonsense.
Genome position (GRCh38, 1-based): chrX:71,109,275, C>T on the plus strand (G>A on the coding strand, the complement: IL2RG is on the minus strand). VCF-style: chrX-71109275-C-T. GRCh37 (hg19) VCF-style: chrX-70329125-C-T.
Other names: NM_000206.3(IL2RG):c.710G>A; p.Trp237Ter; short protein forms W237*.
Identifiers: ClinVar variation 36388 (VCV000036388.5), dbSNP rs193922350, ClinGen allele CA260419.